The following is an entry in ClinVar:

NM_000138.5(FBN1):c.5297A>G (p.Asp1766Gly)

Gene: FBN1 (fibrillin 1; minus strand). Cytogenetic location: 15q21.1.
Variant type: single nucleotide variant.
Coding change: c.5297A>G on transcript NM_000138.5 (MANE Select); coding-DNA position 5297, A replaced by G.
Protein change: p.Asp1766Gly; replaces aspartic acid 1766 with glycine.
Molecular consequence: missense variant.
Genome position (GRCh38, 1-based): chr15:48,456,762, T>C on the plus strand (A>G on the coding strand, the complement: FBN1 is on the minus strand). VCF-style: chr15-48456762-T-C. GRCh37 (hg19) VCF-style: chr15-48748959-T-C.
Other names: D1766G; c.5297A>G, p.Asp1766Gly (NM_001406716.1).
Identifiers: ClinVar variation 4884765 (VCV004884765.1).
Genomic context (GRCh38, chr15:48,456,762, plus strand): 5'-ACCATGTTGATACACACTCCATTTTCACAGACCCCTGGGATCTCCCGGCACTCATCAATA[T>C]CTAGAGACAGAGTAGTCATTCATGAGTGACAGGACAGCACATGATCCCTGTGCAGGGTAA-3'
Protein context (NP_000129.3, residues 1756-1776): VIDIYTGLPV[Asp1766Gly]IDECREIPGV

ClinVar aggregate classification (germline): Likely pathogenic (1 of 4 stars; one submission).

Conditions:
Familial thoracic aortic aneurysm and aortic dissection (TAAD). Also called: Thoracic aortic aneurysms and dissections. Identifiers: Orphanet 91387, MedGen C4707243, MONDO:0019625.

Submission:

Department of Medical Genetics, Yamaguchi University Hospital
Classification: Likely pathogenic for Familial thoracic aortic aneurysm and aortic dissection. Review status: criteria provided, single submitter. Criteria: ACMG Guidelines, 2015. Collection method: clinical testing. Allele origin: germline. Affected: yes. Observed: 1 variant allele, 1 heterozygote.
Comment: The FBN1 NM_000138.5.5297A>G variant is a missense variant predicted to result in the substitution of glycine for a highly conserved aspartic acid residue at amino acid position 1766, p.(Asp1766Gly). This residue is located within a functionally important calcium-binding epidermal growth factor-like domain of fibrillin-1 and is involved in calcium binding; therefore, PM1 was applied. The same variant has previously been reported in an unrelated individual with significant aortic root dilatation, with a sinus of Valsalva Z-score of 7.79 (PMID: 32209317). Because significant thoracic aortic disease has been observed in at least two unrelated individuals carrying this variant, PS4_supportive was applied. Missense variants are an established disease mechanism for FBN1-related Marfan syndrome, supporting application of PP2. Multiple computational prediction tools support a deleterious effect, including a REVEL score of 0.963, supporting PP3. The variant was not predicted to affect splicing, with a SpliceAI score of 0. The variant is absent or extremely rare in population databases according to the clinical genetic assessment, supporting PM2_supportive. No other rare variants considered clinically relevant were identified in the analyzed heritable thoracic aortic disease-associated genes. In summary, this variant meets the criteria for classification as likely pathogenic for FBN1-related Marfan-spectrum aortopathy based on the FBN1-specific ACMG/AMP criteria specified by the ClinGen FBN1 Variant Curation Expert Panel: PM1, PS4_supportive, PP2, PP3, and PM2_supportive.